The following is an entry in ClinVar:

ClinVar aggregate classification (germline): Uncertain significance (1 of 4 stars; one submission).

gnomAD v4.1: 8 of 1,206,885 alleles (0.00066%); highest among the groups gnomAD compares: Admixed American, 0.013%; no homozygotes.

Submission:

Labcorp Genetics (formerly Invitae), Labcorp
Classification: Uncertain significance. Last evaluated: 2024-08-15. Review status: criteria provided, single submitter. Criteria: Invitae Variant Classification Sherloc (09022015). Collection method: clinical testing. Allele origin: germline.
Comment: This sequence change replaces lysine, which is basic and polar, with arginine, which is basic and polar, at codon 6 of the PGK1 protein (p.Lys6Arg). This variant is present in population databases (rs782715366, gnomAD 0.02%), including at least one homozygous and/or hemizygous individual. This variant has not been reported in the literature in individuals affected with PGK1-related conditions. An algorithm developed to predict the effect of missense changes on protein structure and function (PolyPhen-2) suggests that this variant is likely to be tolerated. In summary, the available evidence is currently insufficient to determine the role of this variant in disease. Therefore, it has been classified as a Variant of Uncertain Significance.

NM_000291.4(PGK1):c.17A>G (p.Lys6Arg)

Gene: PGK1 (phosphoglycerate kinase 1; plus strand). Cytogenetic location: Xq21.1.
Variant type: single nucleotide variant.
Coding change: c.17A>G on transcript NM_000291.4 (MANE Select); coding-DNA position 17, A replaced by G.
Protein change: p.Lys6Arg; replaces lysine 6 with arginine.
Molecular consequence: missense variant.
Genome position (GRCh38, 1-based): chrX:78,104,357, A>G. VCF-style: chrX-78104357-A-G. GRCh37 (hg19) VCF-style: chrX-77359854-A-G.
Other names: short protein forms K6R.
Identifiers: ClinVar variation 3620343 (VCV003620343.2).